The following is an entry in ClinVar:

NM_000094.4(COL7A1):c.5291G>C (p.Gly1764Ala)

Gene: COL7A1 (collagen type VII alpha 1 chain; minus strand). Cytogenetic location: 3p21.31.
Variant type: single nucleotide variant.
Coding change: c.5291G>C on transcript NM_000094.4 (MANE Select); coding-DNA position 5291, G replaced by C.
Protein change: p.Gly1764Ala; replaces glycine 1764 with alanine.
Molecular consequence: missense variant.
Genome position (GRCh38, 1-based): chr3:48,579,385, C>G on the plus strand (G>C on the coding strand, the complement: COL7A1 is on the minus strand). VCF-style: chr3-48579385-C-G. GRCh37 (hg19) VCF-style: chr3-48616818-C-G.
Other names: short protein forms G1764A.
Identifiers: ClinVar variation 379309 (VCV000379309.9), dbSNP rs1057520568, ClinGen allele CA16604608.

ClinVar aggregate classification (germline): Conflicting classifications of pathogenicity. Review status: criteria provided, conflicting classifications (1 of 4 stars). 4 submissions from 4 submitters: Pathogenic (1); Likely pathogenic (1); Uncertain significance (2). Last evaluated 2026-05-19.

Conditions:
Recessive dystrophic epidermolysis bullosa (RDEB). Also called: epidermolysis bullosa dystrophica, autosomal recessive; Recessive DEB (RDEB); Hallopeau-Siemens Disease; DYSTROPHIC EPIDERMOLYSIS BULLOSA, AUTOSOMAL RECESSIVE; EPIDERMOLYSIS BULLOSA DYSTROPHICA, HALLOPEAU-SIEMENS TYPE; Epidermolysis Bullosa Distrophica Autosomal Recessive (RDEB). Identifiers: Orphanet 79408, Orphanet 79409, MedGen C0079474, MONDO:0009179, OMIM 226600.

Allele frequency attached by ClinVar (database versions not stated): gnomAD exomes below 0.00001; gnomAD 0.00001; TOPMed 0.00001.
gnomAD v4.1: 3 of 1,614,002 alleles (0.00019%); highest among the groups gnomAD compares: Admixed American, 0.0017%; no homozygotes.

Submissions (4):

Myriad Genetics, Inc.
Classification: Likely pathogenic for Recessive dystrophic epidermolysis bullosa. Last evaluated: 2026-05-19. Review status: criteria provided, single submitter. Criteria: Myriad Autosomal Dominant, Autosomal Recessive and X-Linked Classification Criteria (2023). Collection method: clinical testing. Allele origin: unknown.
Comment: NM_000094.3(COL7A1):c.5291G>C(G1764A) is a missense variant classified as likely pathogenic in the context of dystrophic epidermolysis bullosa. G1764A has been observed in a case with relevant disease (PMID: 38366625). Relevant functional assessments of this variant are not available in the literature. Internal structural analysis of the variant is supportive of pathogenicity. G1764A has been observed in referenced population frequency databases. In summary, NM_000094.3(COL7A1):c.5291G>C(G1764A) is a missense variant that has internal structural support for pathogenicity and has been observed more frequently in cases with the relevant disease than in healthy populations. Please note: this variant was assessed in the context of healthy population screening.

Women's Health and Genetics/Laboratory Corporation of America, LabCorp
Classification: Uncertain significance. Last evaluated: 2024-10-21. Review status: criteria provided, single submitter. Criteria: LabCorp Variant Classification Summary - May 2015. Collection method: clinical testing. Allele origin: germline.
Comment: Variant summary: COL7A1 c.5291G>C (p.Gly1764Ala) results in a non-conservative amino acid change located in the Collagen triple helix repeat domain (IPR008160) of the encoded protein sequence. Five of five in-silico tools predict a damaging effect of the variant on protein function. The variant allele was found at a frequency of 4e-06 in 251388 control chromosomes. The available data on variant occurrences in the general population are insufficient to allow any conclusion about variant significance. c.5291G>C has been reported in the literature in at-least one individual affected with Dystrophic Epidermolysis Bullosa, Recessive (example, Woodley_2024). These data do not allow any conclusion about variant significance. To our knowledge, no experimental evidence demonstrating an impact on protein function has been reported.The following publication has been ascertained in the context of this evaluation (PMID: 38366625). ClinVar contains an entry for this variant (Variation ID: 379309). Based on the evidence outlined above, the variant was classified as uncertain significance.

Labcorp Genetics (formerly Invitae), Labcorp
Classification: Uncertain significance. Last evaluated: 2023-07-14. Review status: criteria provided, single submitter. Criteria: Invitae Variant Classification Sherloc (09022015). Collection method: clinical testing. Allele origin: germline.
Comment: This variant disrupts the triple helix domain of COL7A1. Glycine residues within the Gly-Xaa-Yaa repeats of the triple helix domain are required for the structure and stability of fibrillar collagens (PMID: 7695699, 8218237, 19344236), and variants at these glycine residues in COL7A1 are more frequently observed in individuals with disease than in the general population (PMID: 22058051). However, the clinical significance of this observation remains uncertain since only a limited number of affected individuals have been described to date. In summary, the available evidence is currently insufficient to determine the role of this variant in disease. Therefore, it has been classified as a Variant of Uncertain Significance. Advanced modeling of protein sequence and biophysical properties (such as structural, functional, and spatial information, amino acid conservation, physicochemical variation, residue mobility, and thermodynamic stability) performed at Invitae indicates that this missense variant is expected to disrupt COL7A1 protein function. ClinVar contains an entry for this variant (Variation ID: 379309). This variant has not been reported in the literature in individuals affected with COL7A1-related conditions. This variant is not present in population databases (gnomAD no frequency). This sequence change replaces glycine, which is neutral and non-polar, with alanine, which is neutral and non-polar, at codon 1764 of the COL7A1 protein (p.Gly1764Ala).

GeneDx
Classification: Pathogenic. Last evaluated: 2023-05-02. Review status: criteria provided, single submitter. Criteria: GeneDx Variant Classification Process June 2021. Collection method: clinical testing. Allele origin: germline. Affected: yes.
Comment: Located in the highly conserved Gly-X-Y repeat of the collagenous domain; Glycine substitution variants in this region of the COLVII protein destabilize the collagen triple helix resulting in skin fragility due to poor anchoring of the basement membrane to the underlying dermis (Pfendner and Lucky, 2018); Not observed at significant frequency in large population cohorts (gnomAD); In silico analysis supports that this missense variant has a deleterious effect on protein structure/function; Has not been previously published as pathogenic or benign to our knowledge; This variant is associated with the following publications: (PMID: 20301481)

Literature cited by the submitters: PubMed 38366625 (cited by Myriad Genetics, Inc. and Women's Health and Genetics/Laboratory Corporation of America, LabCorp); PubMed 7695699 (cited by Labcorp Genetics (formerly Invitae), Labcorp); PubMed 8218237 (cited by Labcorp Genetics (formerly Invitae), Labcorp); PubMed 19344236 (cited by Labcorp Genetics (formerly Invitae), Labcorp); PubMed 22058051 (cited by Labcorp Genetics (formerly Invitae), Labcorp).